The following is an entry in ClinVar:

ClinVar aggregate classification (germline): Benign (1 of 4 stars; one submission).

Conditions:
Autosomal dominant limb-girdle muscular dystrophy type 1D (DNAJB6) (LGMDD1). Also called: MUSCULAR DYSTROPHY, LIMB-GIRDLE, TYPE 1D; MUSCULAR DYSTROPHY, AUTOSOMAL DOMINANT, WITH RIMMED VACUOLES; Autosomal dominant limb-girdle muscular dystrophy type 1D; Muscular dystrophy, limb-girdle, autosomal dominant 1. Identifiers: Orphanet 34516, MedGen C4721885, MONDO:0021018, OMIM 603511.

Allele frequency attached by ClinVar (database versions not stated): 1000 Genomes Project 0.00120; 1000 Genomes Project 30x 0.00156; TOPMed 0.00227; gnomAD 0.00228 and 0.00239; gnomAD exomes 0.00296.
gnomAD v4.1: 500 of 197,686 alleles (0.25%); highest among the groups gnomAD compares: South Asian, 0.72%; 3 homozygotes.

Submission:

Illumina Laboratory Services, Illumina
Classification: Benign for Autosomal dominant limb-girdle muscular dystrophy type 1D (DNAJB6). Last evaluated: 2018-01-13. Review status: criteria provided, single submitter. Criteria: ICSL Variant Classification Criteria 13 December 2019. Collection method: clinical testing. Allele origin: germline.
Comment: This variant was observed in the ICSL laboratory as part of a predisposition screen in an ostensibly healthy population. It had not been previously curated by ICSL or reported in the Human Gene Mutation Database (HGMD: prior to June 1st, 2018), and was therefore a candidate for classification through an automated scoring system. Utilizing variant allele frequency, disease prevalence and penetrance estimates, and inheritance mode, an automated score was calculated to assess if this variant is too frequent to cause the disease. Based on the score and internal cut-off values, a variant classified as benign is not then subjected to further curation. The score for this variant resulted in a classification of benign for this disease.

NM_058246.4(DNAJB6):c.*382G>A

Gene: DNAJB6 (DnaJ heat shock protein family (Hsp40) member B6; plus strand). Cytogenetic location: 7q36.3.
Variant type: single nucleotide variant.
Coding change: c.*382G>A on transcript NM_058246.4 (MANE Select); 382 bases downstream of the stop codon, G replaced by A.
Molecular consequence: 3 prime UTR variant.
Genome position (GRCh38, 1-based): chr7:157,416,480, G>A. VCF-style: chr7-157416480-G-A. GRCh37 (hg19) VCF-style: chr7-157209174-G-A.
Other names: c.*382G>A (NM_001363676.1).
Identifiers: ClinVar variation 359463 (VCV000359463.6), dbSNP rs35743737, ClinGen allele CA10625599.
Genomic context (GRCh38, chr7:157,416,480, plus strand): 5'-ATTTCTGGCTTTAGAAGTACAGGAGGGCGCAGATGGCTAACTGAGTAACATTCATGAAAT[G>A]AGGCTTTCTGTGGCGGCGTAGTGTTTGGAATTAGAAGGTAATTCAGTAGAGTGTAACTTA-3'